The following is an entry in ClinVar:

ClinVar aggregate classification (germline): Uncertain significance (1 of 4 stars; one submission).

Submission:

GeneDx
Classification: Uncertain significance. Last evaluated: 2023-06-01. Review status: criteria provided, single submitter. Criteria: GeneDx Variant Classification Process June 2021. Collection method: clinical testing. Allele origin: germline. Affected: yes.
Comment: Not observed at significant frequency in large population cohorts (gnomAD); In silico analysis supports that this missense variant has a deleterious effect on protein structure/function; Has not been previously published as pathogenic or benign to our knowledge

NM_181672.3(OGT):c.1940G>A (p.Arg647Gln)

Gene: OGT (O-linked N-acetylglucosamine (GlcNAc) transferase; plus strand). Cytogenetic location: Xq13.1.
Variant type: single nucleotide variant.
Coding change: c.1940G>A on transcript NM_181672.3 (MANE Select); coding-DNA position 1940, G replaced by A.
Protein change: p.Arg647Gln; replaces arginine 647 with glutamine.
Molecular consequence: missense variant.
Genome position (GRCh38, 1-based): chrX:71,561,863, G>A. VCF-style: chrX-71561863-G-A. GRCh37 (hg19) VCF-style: chrX-70781713-G-A.
Other names: c.1910G>A, p.Arg637Gln (NM_181673.3); short protein forms R637Q, R647Q.
Identifiers: ClinVar variation 3359389 (VCV003359389.1).